The following is an entry in ClinVar:

ClinVar aggregate classification (germline): Pathogenic (1 of 4 stars; one submission).

Conditions:
Congenital muscular hypertrophy-cerebral syndrome (CDLS2). Also called: Cornelia de Lange syndrome 2; SMC1A-Related Cornelia de Lange Syndrome. Identifiers: Orphanet 199, MedGen C1802395, MONDO:0010370, OMIM 300590.

Submission:

Labcorp Genetics (formerly Invitae), Labcorp
Classification: Pathogenic for Congenital muscular hypertrophy-cerebral syndrome. Last evaluated: 2019-10-16. Review status: criteria provided, single submitter. Criteria: Invitae Variant Classification Sherloc (09022015). Collection method: clinical testing. Allele origin: germline.
Comment: This variant is a gross deletion of the genomic region encompassing exon 1 of the SMC1A gene, which includes the initiator codon. The 5' end of this event is unknown as it extends beyond the assayed region for this gene and therefore may encompass additional genes. The 3' boundary is likely confined to intron 1 of the SMC1A gene. This is expected to result in an absent or disrupted protein product. This variant has not been reported in the literature in individuals with SMC1A-related conditions. Loss-of-function variants in SMC1A are known to be pathogenic (PMID: 26386245, 27334371, 28166369, 28548707). For these reasons, this variant has been classified as Pathogenic.

NC_000023.10:g.(?_53448825)_(53449569_?)del

Gene: SMC1A (structural maintenance of chromosomes 1A; minus strand). Cytogenetic location: Xp11.22.
Variant type: Deletion.
Identifiers: ClinVar variation 832686 (VCV000832686.1).